The following is an entry in ClinVar:

ClinVar aggregate classification (germline): Pathogenic. Review status: criteria provided, multiple submitters, no conflicts (2 of 4 stars). 2 submissions from 2 submitters: Pathogenic (2). Last evaluated 2018-07-01.

Conditions:
Tubulinopathy. Also called: Tubulinopathies. Identifiers: MedGen CN850169, MONDO:0100153.

Submissions (2):

Institute of Human Genetics, FAU Erlangen, Friedrich-Alexander-Universität Erlangen-Nürnberg
Classification: Pathogenic for Tubulinopathies. Last evaluated: 2018-07-01. Review status: criteria provided, single submitter. Criteria: ACMG Guidelines, 2015. Collection method: literature only. Allele origin: de novo. Affected: yes. Observed: 1 variant allele.
Comment: The c.79G>C, p.(Glu27Gln) variant has been reported as a variant of de novo origin. This variant and associated phenotype was previously reported by Shimojima et al. BMC Res Notes, 2014 PMID: 25053001. HPO-standardized clinical features were: Hypoplasia of the corpus callosum (HP:0002079); Pachygyria (HP:0001302); Cerebellar vermis hypoplasia (HP:0001320); Dilation of lateral ventricles (HP:0006956); no Congenital microcephaly (-HP:0011451); Microcephaly (HP:0000252); Muscular hypotonia (HP:0001252)

GeneDx
Classification: Pathogenic. Last evaluated: 2017-01-19. Review status: criteria provided, single submitter. Criteria: GeneDx Variant Classification (06012015). Collection method: clinical testing. Allele origin: germline. Affected: yes.
Comment: The E27Q variant in the TUBA1A gene has been reported previously as de novo in an individual with microcephaly, severe developmental delay, and brain hypoplasia with diffuse pachygyria and lateral ventricle dilation on brain MRI (Shimojima et al., 2014). The E27Q variant was not observed in approximately 6500 individuals of European and African American ancestry in the NHLBI Exome Sequencing Project, indicating it is not a common benign variant in these populations. The E27Q variant is a semi-conservative amino acid substitution, which may impact secondary protein structure as these residues differ in some properties. This substitution occurs at a position that is conserved across species. In addition, in silico analysis predicts this variant is probably damaging to the protein structure/function. We interpret E27Q as a pathogenic variant.

Literature cited by the submitters: PubMed 30744660 (cited by Institute of Human Genetics, FAU Erlangen, Friedrich-Alexander-Universität Erlangen-Nürnberg); DOI 10.1101/427948 (cited by Institute of Human Genetics, FAU Erlangen, Friedrich-Alexander-Universität Erlangen-Nürnberg).

NM_006009.4(TUBA1A):c.79G>C (p.Glu27Gln)

Gene: TUBA1A (tubulin alpha 1a; minus strand). Cytogenetic location: 12q13.12.
Variant type: single nucleotide variant.
Coding change: c.79G>C on transcript NM_006009.4 (MANE Select); coding-DNA position 79, G replaced by C.
Protein change: p.Glu27Gln; replaces glutamic acid 27 with glutamine.
Molecular consequence: missense variant. On other transcripts: 5 prime UTR variant (1).
Genome position (GRCh38, 1-based): chr12:49,186,758, C>G on the plus strand (G>C on the coding strand, the complement: TUBA1A is on the minus strand). VCF-style: chr12-49186758-C-G. GRCh37 (hg19) VCF-style: chr12-49580541-C-G.
Other names: c.79G>C, p.Glu27Gln (NM_001270399.2); c.-27G>C (NM_001270400.2); short protein forms E27Q.
Identifiers: ClinVar variation 381537 (VCV000381537.3), dbSNP rs1057521064, ClinGen allele CA16606296.